The following is an entry in ClinVar:

ClinVar aggregate classification (germline): Likely pathogenic. Review status: criteria provided, single submitter (1 of 4 stars). 2 submissions from 2 submitters: Likely pathogenic (1). 1 of the submissions does not count toward it. Last evaluated 2025-08-07.

Conditions:
Leber congenital amaurosis 5 (LCA5). Also called: Amaurosis congenita of Leber, type 5. Identifiers: Orphanet 65, MedGen C1858301, MONDO:0011473, OMIM 604537.

Allele frequency attached by ClinVar (database versions not stated): TOPMed below 0.00001; gnomAD 0.00001; gnomAD exomes 0.00001; ExAC 0.00003.

Submissions (2):

Labcorp Genetics (formerly Invitae), Labcorp
Classification: Likely pathogenic. Last evaluated: 2025-08-07. Review status: criteria provided, single submitter. Criteria: Invitae Variant Classification Sherloc (09022015). Collection method: clinical testing. Allele origin: germline.
Comment: This sequence change affects an acceptor splice site in intron 5 of the LCA5 gene. It is expected to disrupt RNA splicing. Variants that disrupt the donor or acceptor splice site typically lead to a loss of protein function (PMID: 16199547), and loss-of-function variants in LCA5 are known to be pathogenic (PMID: 17546029, 23946133). The frequency data for this variant in the population databases is considered unreliable, as metrics indicate poor data quality at this position in the gnomAD database. This variant has not been reported in the literature in individuals affected with LCA5-related conditions. ClinVar contains an entry for this variant (Variation ID: 1067727). Algorithms developed to predict the effect of sequence changes on RNA splicing suggest that this variant may disrupt the consensus splice site. In summary, the currently available evidence indicates that the variant is pathogenic, but additional data are needed to prove that conclusively. Therefore, this variant has been classified as Likely Pathogenic.

Natera, Inc.
Classification: Likely pathogenic for Leber congenital amaurosis type 5. Last evaluated: 2021-06-23. Review status: no assertion criteria provided. Collection method: clinical testing. Allele origin: germline. Not counted in ClinVar's aggregate classification.

Literature cited by the submitters: PubMed 16199547 (cited by Labcorp Genetics (formerly Invitae), Labcorp); PubMed 17546029 (cited by Labcorp Genetics (formerly Invitae), Labcorp); PubMed 23946133 (cited by Labcorp Genetics (formerly Invitae), Labcorp).

NM_001122769.3(LCA5):c.859-2A>G

Gene: LCA5 (lebercilin LCA5; minus strand). Cytogenetic location: 6q14.1.
Variant type: single nucleotide variant.
Coding change: c.859-2A>G on transcript NM_001122769.3 (MANE Select); the canonical splice acceptor site of the intron before coding-DNA position 859, A replaced by G.
Molecular consequence: splice acceptor variant.
Genome position (GRCh38, 1-based): chr6:79,492,649, T>C on the plus strand (A>G on the coding strand, the complement: LCA5 is on the minus strand). VCF-style: chr6-79492649-T-C. GRCh37 (hg19) VCF-style: chr6-80202366-T-C.
Other names: c.859-2A>G (NM_181714.4).
Identifiers: ClinVar variation 1067727 (VCV001067727.11), dbSNP rs757681601, ClinGen allele CA3900993.
Genomic context (GRCh38, chr6:79,492,649, plus strand): 5'-GAGGACTTTGGCAGACGATTAGAATATATATTTTTTATATCCAGTTCTCTCTCCTTTTCC[T>C]GAAAACAAACGCAATACAATTAAGGAAGTAGAGCCTCTGCTTAAAACAAAACAAAACCCC-3'